The following is an entry in ClinVar:

NM_006348.5(COG5):c.2088A>C (p.Ala696=)

Gene: COG5 (component of oligomeric golgi complex 5; minus strand). Cytogenetic location: 7q22.3.
Variant type: single nucleotide variant.
Coding change: c.2088A>C on transcript NM_006348.5 (MANE Select); coding-DNA position 2088, A replaced by C.
Protein change: p.Ala696=; no amino-acid change (alanine 696 retained).
Molecular consequence: synonymous variant. On other transcripts: intron variant (1).
Genome position (GRCh38, 1-based): chr7:107,236,453, T>G on the plus strand (A>C on the coding strand, the complement: COG5 is on the minus strand). VCF-style: chr7-107236453-T-G. GRCh37 (hg19) VCF-style: chr7-106876898-T-G.
Other names: c.2088A>C, p.Ala696= (NM_001161520.2, NM_001379513.1); c.1926A>C, p.Ala642= (NM_001379511.1); c.1914A>C, p.Ala638= (NM_001379512.1); c.1518A>C, p.Ala506= (NM_001379515.1); c.1374A>C, p.Ala458= (NM_001379516.1); c.2025A>C, p.Ala675= (NM_181733.4); c.1853+11943A>C (NM_001379514.1).
Identifiers: ClinVar variation 681597 (VCV000681597.33), dbSNP rs372319280, ClinGen allele CA4430709.
Genomic context (GRCh38, chr7:107,236,453, plus strand): 5'-TAATAGATGATATTGAGGCCAAAACATTTTTTCTTTTGTAGTAATTCATCAATGTACCTG[T>G]GCAAAATCAGCAGCAAGTCGCATTTTCCCACCTTCACCAAGAGGTCTTATGAGACTGGCA-3'
Protein context (NP_006339.4, residues 686-706): GGKMRLAADF[Ala696=]QMELAVGPFC

ClinVar aggregate classification (germline): Likely benign. Review status: criteria provided, multiple submitters, no conflicts (2 of 4 stars). 3 submissions from 3 submitters: Likely benign (3). Last evaluated 2026-06-01.

Conditions:
COG5-congenital disorder of glycosylation. Also called: CDG IIi; COG5-CDG; CONGENITAL DISORDER OF GLYCOSYLATION, TYPE IIi. Identifiers: Orphanet 263487, MedGen C3150876, MONDO:0013325, OMIM 613612.

Allele frequency attached by ClinVar (database versions not stated): gnomAD 0.00010; TOPMed 0.00019; ESP Exome Variant Server 0.00023.
gnomAD v4.1: 259 of 1,611,228 alleles (0.016%); highest among the groups gnomAD compares: Admixed American, 0.037%; no homozygotes.

Submissions (3):

CeGaT Center for Human Genetics Tuebingen
Classification: Likely benign. Last evaluated: 2026-06-01. Review status: criteria provided, single submitter. Criteria: CeGaT Center For Human Genetics Tuebingen Variant Classification Criteria Version 2. Collection method: clinical testing. Allele origin: germline. Affected: yes. Observed: 3 variant alleles.
Comment: COG5: BP4, BP7

Labcorp Genetics (formerly Invitae), Labcorp
Classification: Likely benign for COG5-congenital disorder of glycosylation. Last evaluated: 2026-02-02. Review status: criteria provided, single submitter. Criteria: Invitae Variant Classification Sherloc (09022015). Collection method: clinical testing. Allele origin: germline.

GeneDx
Classification: Likely benign. Last evaluated: 2018-04-19. Review status: criteria provided, single submitter. Criteria: GeneDx Variant Classification (06012015). Collection method: clinical testing. Allele origin: germline. Affected: yes.
Comment: This variant is considered likely benign or benign based on one or more of the following criteria: it is a conservative change, it occurs at a poorly conserved position in the protein, it is predicted to be benign by multiple in silico algorithms, and/or has population frequency not consistent with disease.